The following is an entry in ClinVar:

NM_001324418.2(ADAM22):c.1821T>C (p.Asn607=)

Gene: ADAM22 (ADAM metallopeptidase domain 22; plus strand). Cytogenetic location: 7q21.12.
Variant type: single nucleotide variant.
Coding change: c.1821T>C on transcript NM_001324418.2 (MANE Select); coding-DNA position 1821, T replaced by C.
Protein change: p.Asn607=; no amino-acid change (asparagine 607 retained).
Molecular consequence: synonymous variant.
Genome position (GRCh38, 1-based): chr7:88,155,920, T>C. VCF-style: chr7-88155920-T-C. GRCh37 (hg19) VCF-style: chr7-87785235-T-C.
Other names: c.1818T>C, p.Asn606= (NM_001324417.2, NM_001324419.2, NM_001391978.1 and 2 more transcripts); c.1821T>C, p.Asn607= (NM_001324420.2, NM_001324421.2, NM_001391976.1 and 6 more transcripts); c.1872T>C, p.Asn624= (NM_001391975.1, NM_001391980.1); c.1797T>C, p.Asn599= (NM_001391982.1).
Identifiers: ClinVar variation 782022 (VCV000782022.30), dbSNP rs113535772, ClinGen allele CA4330663.

ClinVar aggregate classification (germline): Benign/Likely benign. Review status: criteria provided, multiple submitters, no conflicts (2 of 4 stars). 4 submissions from 4 submitters: Benign (2); Likely benign (2). Last evaluated 2026-07-01.

Allele frequency attached by ClinVar (database versions not stated): 1000 Genomes Project 0.00020; 1000 Genomes Project 30x 0.00031; gnomAD 0.00161 and 0.00164; ESP Exome Variant Server 0.00167; ExAC 0.00170; TOPMed 0.00179; gnomAD exomes 0.00195 and 0.00221.
gnomAD v4.1: 3,483 of 1,613,426 alleles (0.22%); highest among the groups gnomAD compares: Middle Eastern, 0.68%; 6 homozygotes.

Submissions (4):

CeGaT Center for Human Genetics Tuebingen
Classification: Likely benign. Last evaluated: 2026-07-01. Review status: criteria provided, single submitter. Criteria: CeGaT Center For Human Genetics Tuebingen Variant Classification Criteria Version 2. Collection method: clinical testing. Allele origin: germline. Affected: yes. Observed: 9 variant alleles.
Comment: ADAM22: BP4, BP7

Blueprint Genetics
Classification: Likely benign. Last evaluated: 2024-11-20. Review status: criteria provided, single submitter. Criteria: ACMG Guidelines, 2015. Collection method: clinical testing. Allele origin: germline.

Labcorp Genetics (formerly Invitae), Labcorp
Classification: Benign. Last evaluated: 2019-12-31. Review status: criteria provided, single submitter. Criteria: Invitae Variant Classification Sherloc (09022015). Collection method: clinical testing. Allele origin: germline.

Breakthrough Genomics
Classification: Benign. Review status: criteria provided, single submitter. Criteria: ACMG Guidelines, 2015. Collection method: not provided. Allele origin: germline. Inheritance: Autosomal recessive inheritance. Affected: yes.